The following is an entry in ClinVar:

NM_000277.3(PAH):c.280_283del (p.Ile94fs)

Gene: PAH (phenylalanine hydroxylase; minus strand). Cytogenetic location: 12q23.2.
Variant type: Deletion.
Coding change: c.280_283del on transcript NM_000277.3 (MANE Select); coding-DNA positions 280 to 283, 4 bases deleted (ATCA; older notation c.280_283delATCA).
Protein change: p.Ile94fs; shifts the reading frame from isoleucine 94.
Molecular consequence: frameshift variant.
Genome position (GRCh38, 1-based): chr12:102,894,804-102,894,807, TGAT deleted on the plus strand (ATCA on the coding strand, the reverse complement: PAH is on the minus strand). VCF-style (leftmost placement, unchanged base first): chr12-102894803-ATGAT-A. GRCh37 (hg19) VCF-style: chr12-103288581-ATGAT-A.
Other names: NM_001354304.2:c.280_283del; c.280_283del, p.Ile94fs (NM_001354304.2); short protein forms I94fs.
Identifiers: ClinVar variation 2573215 (VCV002573215.1), dbSNP rs2499521340, ClinGen allele CA2497030226.

ClinVar aggregate classification (germline): Pathogenic (3 of 4 stars; one submission).

Conditions:
Phenylketonuria (PKU). Also called: FOLLING DISEASE; Phenylketonurias; Phenylketonuria (PKU); OLIGOPHRENIA PHENYLPYRUVICA. Identifiers: Orphanet 716, MedGen C0031485, MONDO:0009861, OMIM 261600. Disease mechanism: loss of function.

Submission:

ClinGen PAH Variant Curation Expert Panel
Classification: Pathogenic for Phenylketonuria. Last evaluated: 2023-03-16. Review status: reviewed by expert panel. Criteria: ClinGen PAH ACMG Specifications v1. Collection method: curation. Allele origin: germline. Inheritance: Autosomal recessive inheritance.
Comment: The c.280_283del (p.Ile94SerfsTer4) variant in PAH is a frameshift variant predicted to cause termination at amino acid 98 resulting in nonsense mediated decay in a gene in which loss-of-function is an established disease mechanism. It has been detected in a patient with classic PKU with likely pathogenic variant p.P281L, phase unconfirmed (PMID: 26210745). This variant is absent in population databases. In summary, this variant meets criteria to be classified as Pathogenic for PAH deficiency based on the ACMG/AMP criteria applied, as specified by the ClinGen PAH VCEP: PM2, PP4, PVS1.